The following is an entry in ClinVar:

ClinVar aggregate classification (germline): Uncertain significance (1 of 4 stars; one submission).

Conditions:
Ehlers-Danlos syndrome, classic type, 1 (EDSCL1). Also called: EHLERS-DANLOS SYNDROME, GRAVIS TYPE; EHLERS-DANLOS SYNDROME, SEVERE CLASSIC TYPE; Ehlers-Danlos syndrome, type 1; EDS I; Ehlers-Danlos Syndrome, Classic Type, COL5A1-Related. Identifiers: MedGen C0268335, MONDO:0019567, OMIM 130000.

Allele frequency attached by ClinVar (database versions not stated): gnomAD 0.00001; TOPMed 0.00001.
gnomAD v4.1: 4 of 1,611,940 alleles (0.00025%); highest among the groups gnomAD compares: Non-Finnish European, 0.00034%; no homozygotes.

Submission:

Labcorp Genetics (formerly Invitae), Labcorp
Classification: Uncertain significance for Ehlers-Danlos syndrome, classic type, 1. Last evaluated: 2022-07-09. Review status: criteria provided, single submitter. Criteria: Invitae Variant Classification Sherloc (09022015). Collection method: clinical testing. Allele origin: germline.
Comment: This sequence change replaces proline, which is neutral and non-polar, with alanine, which is neutral and non-polar, at codon 485 of the COL5A2 protein (p.Pro485Ala). This variant is not present in population databases (gnomAD no frequency). This variant has not been reported in the literature in individuals affected with COL5A2-related conditions. Algorithms developed to predict the effect of missense changes on protein structure and function (SIFT, PolyPhen-2, Align-GVGD) all suggest that this variant is likely to be disruptive. In summary, the available evidence is currently insufficient to determine the role of this variant in disease. Therefore, it has been classified as a Variant of Uncertain Significance.

NM_000393.5(COL5A2):c.1453C>G (p.Pro485Ala)

Gene: COL5A2 (collagen type V alpha 2 chain; minus strand). Cytogenetic location: 2q32.2.
Variant type: single nucleotide variant.
Coding change: c.1453C>G on transcript NM_000393.5 (MANE Select); coding-DNA position 1453, C replaced by G.
Protein change: p.Pro485Ala; replaces proline 485 with alanine.
Molecular consequence: missense variant.
Genome position (GRCh38, 1-based): chr2:189,066,731, G>C on the plus strand (C>G on the coding strand, the complement: COL5A2 is on the minus strand). VCF-style: chr2-189066731-G-C. GRCh37 (hg19) VCF-style: chr2-189931457-G-C.
Other names: short protein forms P485A.
Identifiers: ClinVar variation 2015295 (VCV002015295.1), dbSNP rs757065474, ClinGen allele CA349852230.